The following is an entry in ClinVar:

NM_002709.3(PPP1CB):c.539A>C (p.Gln180Pro)

Gene: PPP1CB (protein phosphatase 1 catalytic subunit beta; plus strand). Cytogenetic location: 2p23.2.
Variant type: single nucleotide variant.
Coding change: c.539A>C on transcript NM_002709.3 (MANE Select); coding-DNA position 539, A replaced by C.
Protein change: p.Gln180Pro; replaces glutamine 180 with proline.
Molecular consequence: missense variant.
Genome position (GRCh38, 1-based): chr2:28,783,925, A>C. VCF-style: chr2-28783925-A-C. GRCh37 (hg19) VCF-style: chr2-29006791-A-C.
Other names: c.539A>C, p.Gln180Pro (NM_206876.2); short protein forms Q180P.
Identifiers: ClinVar variation 2796814 (VCV002796814.3), dbSNP rs2465736010, ClinGen allele CA346582409.

ClinVar aggregate classification (germline): Uncertain significance (1 of 4 stars; one submission).

Submission:

Labcorp Genetics (formerly Invitae), Labcorp
Classification: Uncertain significance. Last evaluated: 2024-08-28. Review status: criteria provided, single submitter. Criteria: Invitae Variant Classification Sherloc (09022015). Collection method: clinical testing. Allele origin: germline.
Comment: This sequence change replaces glutamine, which is neutral and polar, with proline, which is neutral and non-polar, at codon 180 of the PPP1CB protein (p.Gln180Pro). This variant is not present in population databases (gnomAD no frequency). This variant has not been reported in the literature in individuals affected with PPP1CB-related conditions. Invitae Evidence Modeling of protein sequence and biophysical properties (such as structural, functional, and spatial information, amino acid conservation, physicochemical variation, residue mobility, and thermodynamic stability) indicates that this missense variant is not expected to disrupt PPP1CB protein function with a negative predictive value of 80%. In summary, the available evidence is currently insufficient to determine the role of this variant in disease. Therefore, it has been classified as a Variant of Uncertain Significance.